The following is an entry in ClinVar:

ClinVar aggregate classification (germline): Benign/Likely benign. Review status: criteria provided, multiple submitters, no conflicts (2 of 4 stars). 5 submissions from 5 submitters: Benign (1); Likely benign (4). Last evaluated 2025-10-02.

Conditions:
Emery-Dreifuss muscular dystrophy 5, autosomal dominant (EDMD5). Also called: EMERY-DREIFUSS MUSCULAR DYSTROPHY 5. Identifiers: Orphanet 261, MedGen C2751805, MONDO:0013072, OMIM 612999.

Allele frequency attached by ClinVar (database versions not stated): gnomAD 0.00010 and 0.00011; gnomAD exomes 0.00010 and 0.00016; ExAC 0.00014; TOPMed 0.00014; ESP Exome Variant Server 0.00025.
gnomAD v4.1: 173 of 1,613,930 alleles (0.011%); highest among the groups gnomAD compares: Admixed American, 0.0083%; no homozygotes.

Submissions (5):

Labcorp Genetics (formerly Invitae), Labcorp
Classification: Likely benign for Emery-Dreifuss muscular dystrophy 5, autosomal dominant. Last evaluated: 2025-10-02. Review status: criteria provided, single submitter. Criteria: Invitae Variant Classification Sherloc (09022015). Collection method: clinical testing. Allele origin: germline.

Athena Diagnostics
Classification: Likely benign. Last evaluated: 2025-07-17. Review status: criteria provided, single submitter. Criteria: Athena Diagnostics Criteria. Collection method: clinical testing. Allele origin: unknown.
Comment: The frequency of this variant in the general population is higher than would generally be expected for pathogenic variants in this gene. Computational tools predict this amino acid change may be benign.

CeGaT Center for Human Genetics Tuebingen
Classification: Likely benign. Last evaluated: 2025-02-01. Review status: criteria provided, single submitter. Criteria: CeGaT Center For Human Genetics Tuebingen Variant Classification Criteria Version 2. Collection method: clinical testing. Allele origin: germline. Affected: yes. Observed: 3 variant alleles.
Comment: SYNE2: BP4, BS1

Illumina Laboratory Services, Illumina
Classification: Benign for Emery-Dreifuss muscular dystrophy 5, autosomal dominant. Last evaluated: 2017-07-08. Review status: criteria provided, single submitter. Criteria: ICSL Variant Classification Criteria 13 December 2019. Collection method: clinical testing. Allele origin: germline.
Comment: This variant was observed as part of a predisposition screen in an ostensibly healthy population. A literature search was performed for the gene, cDNA change, and amino acid change (where applicable). No publications were found based on this search. Allele frequency data from public databases was too high to be consistent with this variant causing disease. Therefore, this variant is classified as benign.

Breakthrough Genomics
Classification: Likely benign. Review status: criteria provided, single submitter. Criteria: ACMG Guidelines, 2015. Collection method: not provided. Allele origin: germline. Inheritance: Autosomal dominant inheritance. Affected: yes.

NM_182914.3(SYNE2):c.6772G>A (p.Val2258Ile)

Gene: SYNE2 (spectrin repeat containing nuclear envelope protein 2; plus strand). Cytogenetic location: 14q23.2.
Variant type: single nucleotide variant.
Coding change: c.6772G>A on transcript NM_182914.3 (MANE Select); coding-DNA position 6772, G replaced by A.
Protein change: p.Val2258Ile; replaces valine 2258 with isoleucine.
Molecular consequence: missense variant.
Genome position (GRCh38, 1-based): chr14:64,029,952, G>A. VCF-style: chr14-64029952-G-A. GRCh37 (hg19) VCF-style: chr14-64496670-G-A.
Other names: c.6772G>A, p.Val2258Ile (NM_015180.6); short protein forms V2258I.
Identifiers: ClinVar variation 705574 (VCV000705574.40), dbSNP rs200336916, ClinGen allele CA7220780.